The following is an entry in ClinVar:

NM_020166.5(MCCC1):c.448del (p.Phe149_Ile150insTer)

Gene: MCCC1 (methylcrotonyl-CoA carboxylase subunit 1; minus strand). Cytogenetic location: 3q27.1.
Variant type: Deletion.
Coding change: c.448del on transcript NM_020166.5 (MANE Select); coding-DNA position 448, one base deleted (A; older notation c.448delA).
Protein change: p.Phe149_Ile150insTer.
Molecular consequence: nonsense. On other transcripts: non-coding transcript variant (2), intron variant (1).
Genome position (GRCh38, 1-based): chr3:183,072,409, T deleted on the plus strand (A on the coding strand, the reverse complement: MCCC1 is on the minus strand). VCF-style (leftmost placement, unchanged base first): chr3-183072408-AT-A. GRCh37 (hg19) VCF-style: chr3-182790196-AT-A.
Other names: c.121del, p.Phe40_Ile41insTer (NM_001363880.1); c.141-1052del (NM_001293273.2).
Identifiers: ClinVar variation 2769514 (VCV002769514.3), dbSNP rs2530372155, ClinGen allele CA2577969991.

ClinVar aggregate classification (germline): Pathogenic (1 of 4 stars; one submission).

Conditions:
3-methylcrotonyl-CoA carboxylase 1 deficiency (MCC1D). Also called: MCCD TYPE 1; METHYLCROTONYLGLYCINURIA TYPE I; MCC 1 deficiency; 3 Alpha methylcrotonylglycinuria 1. Identifiers: Orphanet 6, MedGen CN028786, MONDO:0008861, OMIM 210200.

Submission:

Labcorp Genetics (formerly Invitae), Labcorp
Classification: Pathogenic for 3-methylcrotonyl-CoA carboxylase 1 deficiency. Last evaluated: 2023-10-24. Review status: criteria provided, single submitter. Criteria: Invitae Variant Classification Sherloc (09022015). Collection method: clinical testing. Allele origin: germline.
Comment: This sequence change creates a premature translational stop signal (p.Ile150*) in the MCCC1 gene. It is expected to result in an absent or disrupted protein product. Loss-of-function variants in MCCC1 are known to be pathogenic (PMID: 11181649, 15359379, 22642865). This variant is not present in population databases (gnomAD no frequency). This variant has not been reported in the literature in individuals affected with MCCC1-related conditions. For these reasons, this variant has been classified as Pathogenic.

Literature cited by the submitters: PubMed 11181649; PubMed 15359379; PubMed 22642865.